The following is an entry in ClinVar:

ClinVar aggregate classification (germline): Pathogenic (1 of 4 stars; one submission).

Conditions:
Alstrom syndrome (ALMS). Identifiers: Orphanet 64, MedGen C0268425, MONDO:0008763, OMIM 203800.

Submission:

Labcorp Genetics (formerly Invitae), Labcorp
Classification: Pathogenic for Alstrom syndrome. Last evaluated: 2025-12-01. Review status: criteria provided, single submitter. Criteria: Invitae Variant Classification Sherloc (09022015). Collection method: clinical testing. Allele origin: germline.
Comment: This sequence change creates a premature translational stop signal (p.Trp1018Cysfs*33) in the ALMS1 gene. It is expected to result in an absent or disrupted protein product. Loss-of-function variants in ALMS1 are known to be pathogenic (PMID: 17594715). This variant is not present in population databases (gnomAD no frequency). This variant has not been reported in the literature in individuals affected with ALMS1-related conditions. For these reasons, this variant has been classified as Pathogenic.

Literature cited by the submitters: PubMed 17594715.

NM_001378454.1(ALMS1):c.2239_3050dup (p.Trp1017delinsCysLeuAspGlnLeuThrArgArgLeuArgTyrGlnGlnTyrSerLeuValLeuThrHisLysGluLysSerLeuValPheCysThrHisArgThrTer)

Gene: ALMS1 (ALMS1 centrosome and basal body associated protein; plus strand). Cytogenetic location: 2p13.1.
Variant type: Duplication.
Coding change: c.2239_3050dup on transcript NM_001378454.1 (MANE Select); coding-DNA positions 2239 to 3050, 812 bases duplicated.
Protein change: p.Trp1017delinsCysLeuAspGlnLeuThrArgArgLeuArgTyrGlnGlnTyrSerLeuValLeuThrHisLysGluLysSerLeuValPheCysThrHisArgThrTer.
Molecular consequence: nonsense.
Genome position (GRCh38, 1-based): chr2:73,448,766-73,449,577, 812 bases duplicated. GRCh37 (hg19): chr2:73,675,893-73,676,704.
Other names: c.2242_3053dup, p.Trp1018delinsCysLeuAspGlnLeuThrArgArgLeuArgTyrGlnGlnTyrSerLeuValLeuThrHisLysGluLysSerLeuValPheCysThrHisArgThrTer (NM_015120.4).
Identifiers: ClinVar variation 2709676 (VCV002709676.3), dbSNP rs2466094001, ClinGen allele CA2697548310.